The following is an entry in ClinVar:

ClinVar aggregate classification (germline): Uncertain significance. Review status: criteria provided, multiple submitters, no conflicts (2 of 4 stars). 2 submissions from 2 submitters: Uncertain significance (2). Last evaluated 2025-05-29.

Conditions:
Inborn genetic diseases. Identifiers: MedGen C0950123, MeSH D030342.

Submissions (2):

Ambry Genetics
Classification: Uncertain significance for Inborn genetic diseases. Last evaluated: 2025-05-29. Review status: criteria provided, single submitter. Criteria: Ambry Variant Classification Scheme 2023. Collection method: clinical testing. Allele origin: germline.

Labcorp Genetics (formerly Invitae), Labcorp
Classification: Uncertain significance. Last evaluated: 2023-12-19. Review status: criteria provided, single submitter. Criteria: Invitae Variant Classification Sherloc (09022015). Collection method: clinical testing. Allele origin: germline.
Comment: This sequence change replaces tyrosine, which is neutral and polar, with cysteine, which is neutral and slightly polar, at codon 63 of the LYZ protein (p.Tyr63Cys). This variant is not present in population databases (gnomAD no frequency). This variant has not been reported in the literature in individuals affected with LYZ-related conditions. An algorithm developed to predict the effect of missense changes on protein structure and function (PolyPhen-2) suggests that this variant is likely to be disruptive. In summary, the available evidence is currently insufficient to determine the role of this variant in disease. Therefore, it has been classified as a Variant of Uncertain Significance.

NM_000239.3(LYZ):c.188A>G (p.Tyr63Cys)

Gene: LYZ (lysozyme; plus strand). Cytogenetic location: 12q15.
Variant type: single nucleotide variant.
Coding change: c.188A>G on transcript NM_000239.3 (MANE Select); coding-DNA position 188, A replaced by G.
Protein change: p.Tyr63Cys; replaces tyrosine 63 with cysteine.
Molecular consequence: missense variant.
Genome position (GRCh38, 1-based): chr12:69,350,159, A>G. VCF-style: chr12-69350159-A-G. GRCh37 (hg19) VCF-style: chr12-69743939-A-G.
Other names: short protein forms Y63C.
Identifiers: ClinVar variation 2862723 (VCV002862723.4), dbSNP rs2499097767, ClinGen allele CA385725799.